The following is an entry in ClinVar:

NM_001009944.3(PKD1):c.3250C>T (p.Gln1084Ter)

Gene: PKD1 (polycystin 1, transient receptor potential channel interacting; minus strand). Cytogenetic location: 16p13.3.
Variant type: single nucleotide variant.
Coding change: c.3250C>T on transcript NM_001009944.3 (MANE Select); coding-DNA position 3250, C replaced by T.
Protein change: p.Gln1084Ter; replaces glutamine 1084 with a stop codon.
Molecular consequence: nonsense.
Genome position (GRCh38, 1-based): chr16:2,112,385, G>A on the plus strand (C>T on the coding strand, the complement: PKD1 is on the minus strand). VCF-style: chr16-2112385-G-A. GRCh37 (hg19) VCF-style: chr16-2162386-G-A.
Other names: c.3250C>T, p.Gln1084Ter (NM_000296.4); short protein forms Q1084*.
Identifiers: ClinVar variation 981528 (VCV000981528.3), dbSNP rs1373028227, ClinGen allele CA394383473.

ClinVar aggregate classification (germline): Pathogenic. Review status: criteria provided, multiple submitters, no conflicts (2 of 4 stars). 3 submissions from 3 submitters: Pathogenic (3). Last evaluated 2024-03-14.

Conditions:
Polycystic kidney disease, adult type (PKD1). Also called: POLYCYSTIC KIDNEY DISEASE, ADULT, TYPE I; Polycystic Kidney, Autosomal Dominant; POLYCYSTIC KIDNEY DISEASE 1 WITH OR WITHOUT POLYCYSTIC LIVER DISEASE; Polycystic Kidney Disease 1, Autosomal Dominant; Polycystic kidney disease 1; Polycystic kidney disease 1, severe. Identifiers: MedGen C3149841, MONDO:0008263, OMIM 173900.
PKD1-related disorder. Also called: PKD1-related condition.

Submissions (3):

Fulgent Genetics
Classification: Pathogenic for Polycystic kidney disease, adult type. Last evaluated: 2024-03-14. Review status: criteria provided, single submitter. Criteria: ACMG Guidelines, 2015. Collection method: clinical testing. Allele origin: germline.

Blueprint Genetics
Classification: Pathogenic for PKD1-related disorders. Last evaluated: 2023-10-10. Review status: criteria provided, single submitter. Criteria: ACMG Guidelines, 2015. Collection method: clinical testing. Allele origin: germline. Affected: yes. Observed: 1 variant allele.

Johns Hopkins Genomics, Johns Hopkins University
Classification: Pathogenic for Polycystic kidney disease, adult type. Last evaluated: 2020-09-14. Review status: criteria provided, single submitter. Criteria: ACMG Guidelines, 2015. Collection method: clinical testing. Allele origin: germline.
Comment: This PKD1 variant is absent in a large population dataset and has not been reported in ClinVar, nor the literature in association with ADPKD to our knowledge. This nonsense variant results in a premature stop codon in exon 14 of 46 likely leading to nonsense-mediated decay and lack of protein production. We consider c.3250C>T to be pathogenic.

Literature cited by the submitters: PubMed 10655152 (cited by Johns Hopkins Genomics, Johns Hopkins University); PubMed 17582161 (cited by Johns Hopkins Genomics, Johns Hopkins University).